The following is an entry in ClinVar:

NM_003590.5(CUL3):c.1030-6T>C

Gene: CUL3 (cullin 3; minus strand). Cytogenetic location: 2q36.2.
Variant type: single nucleotide variant.
Coding change: c.1030-6T>C on transcript NM_003590.5 (MANE Select); 6 bases into the intron before coding-DNA position 1030, T replaced by C.
Molecular consequence: intron variant.
Genome position (GRCh38, 1-based): chr2:224,506,138, A>G on the plus strand (T>C on the coding strand, the complement: CUL3 is on the minus strand). VCF-style: chr2-224506138-A-G. GRCh37 (hg19) VCF-style: chr2-225370855-A-G.
Other names: c.832-6T>C (NM_001257197.2); c.1048-6T>C (NM_001257198.2); c.1030-6T>C (NM_003590.3).
Identifiers: ClinVar variation 1629996 (VCV001629996.9), dbSNP rs368109133, ClinGen allele CA66534600.
Genomic context (GRCh38, chr2:224,506,138, plus strand): 5'-TGTTGAATGATTCCAGGAGGAAGCGATCGAACCTACTCTTCAGATCCAATAAGCCCTTAG[A>G]AATAAAAACAAAATTTAGGACACATTATAATAATTTTTCCATAAATAATACACTTATGAC-3'

ClinVar aggregate classification (germline): Conflicting classifications of pathogenicity. Review status: criteria provided, conflicting classifications (1 of 4 stars). 2 submissions from 2 submitters: Uncertain significance (1); Likely benign (1). Last evaluated 2024-10-27.

Conditions:
Inborn genetic diseases. Identifiers: MedGen C0950123, MeSH D030342.

Allele frequency attached by ClinVar (database versions not stated): gnomAD exomes below 0.00001 and 0.00004; gnomAD 0.00001; TOPMed 0.00001; ESP Exome Variant Server 0.00008.
gnomAD v4.1: 54 of 1,552,792 alleles (0.0035%); highest among the groups gnomAD compares: Non-Finnish European, 0.0044%; no homozygotes.

Submissions (2):

Labcorp Genetics (formerly Invitae), Labcorp
Classification: Likely benign. Last evaluated: 2024-10-27. Review status: criteria provided, single submitter. Criteria: Invitae Variant Classification Sherloc (09022015). Collection method: clinical testing. Allele origin: germline.

Ambry Genetics
Classification: Uncertain significance for Inborn genetic diseases. Last evaluated: 2021-09-29. Review status: criteria provided, single submitter. Criteria: Ambry Variant Classification Scheme 2023. Collection method: clinical testing. Allele origin: germline.
Comment: The c.1030-6T>C intronic alteration consists of a T to C substitution 6 nucleotides before exon 8 of the CUL3 gene. Based on insufficient or conflicting evidence, the clinical significance of this alteration remains unclear.